The following is an entry in ClinVar:

ClinVar aggregate classification (germline): Uncertain significance (1 of 4 stars; one submission).

Conditions:
Genitopatellar syndrome (GTPTS). Also called: ABSENT PATELLAE, SCROTAL HYPOPLASIA, RENAL ANOMALIES, FACIAL DYSMORPHISM, AND MENTAL RETARDATION; Genitopatellar syndrome (GPS). Identifiers: Orphanet 85201, MedGen C1853566, MONDO:0011640, OMIM 606170.

Submission:

Labcorp Genetics (formerly Invitae), Labcorp
Classification: Uncertain significance for Genitopatellar syndrome. Last evaluated: 2024-08-09. Review status: criteria provided, single submitter. Criteria: Invitae Variant Classification Sherloc (09022015). Collection method: clinical testing. Allele origin: germline.
Comment: This sequence change replaces isoleucine, which is neutral and non-polar, with phenylalanine, which is neutral and non-polar, at codon 874 of the KAT6B protein (p.Ile874Phe). This variant is not present in population databases (gnomAD no frequency). This variant has not been reported in the literature in individuals affected with KAT6B-related conditions. Advanced modeling of protein sequence and biophysical properties (such as structural, functional, and spatial information, amino acid conservation, physicochemical variation, residue mobility, and thermodynamic stability) performed at Invitae indicates that this missense variant is not expected to disrupt KAT6B protein function with a negative predictive value of 80%. In summary, the available evidence is currently insufficient to determine the role of this variant in disease. Therefore, it has been classified as a Variant of Uncertain Significance.

NM_012330.4(KAT6B):c.2620A>T (p.Ile874Phe)

Gene: KAT6B (lysine acetyltransferase 6B; plus strand). Cytogenetic location: 10q22.2.
Variant type: single nucleotide variant.
Coding change: c.2620A>T on transcript NM_012330.4 (MANE Select); coding-DNA position 2620, A replaced by T.
Protein change: p.Ile874Phe; replaces isoleucine 874 with phenylalanine.
Molecular consequence: missense variant.
Genome position (GRCh38, 1-based): chr10:74,989,103, A>T. VCF-style: chr10-74989103-A-T. GRCh37 (hg19) VCF-style: chr10-76748861-A-T.
Other names: c.1744A>T, p.Ile582Phe (NM_001256469.2, NM_001370139.1, NM_001370140.1 and 2 more transcripts); c.1582A>T, p.Ile528Phe (NM_001370132.1); c.931A>T, p.Ile311Phe (NM_001370133.1); c.535A>T, p.Ile179Phe (NM_001370134.1); c.277A>T, p.Ile93Phe (NM_001370135.1); c.2620A>T, p.Ile874Phe (NM_001370136.1, NM_001370137.1); c.2071A>T, p.Ile691Phe (NM_001370138.1, NM_001256468.2); c.1555A>T, p.Ile519Phe (NM_001370143.1, NM_001370144.1); short protein forms I519F, I874F, I179F, I311F, I528F, I691F, I93F, I582F.
Identifiers: ClinVar variation 3719660 (VCV003719660.2).